The following is an entry in ClinVar:

NM_001042492.3(NF1):c.60+17725G>A

Gene: NF1 (neurofibromin 1; plus strand). Cytogenetic location: 17q11.2.
Variant type: single nucleotide variant.
Coding change: c.60+17725G>A on transcript NM_001042492.3 (MANE Select); 17725 bases into the intron after coding-DNA position 60, G replaced by A.
Molecular consequence: intron variant.
Genome position (GRCh38, 1-based): chr17:31,113,094, G>A. VCF-style: chr17-31113094-G-A. GRCh37 (hg19) VCF-style: chr17-29440112-G-A.
Other names: c.60+17725G>A (NM_000267.4, NM_001128147.3).
Identifiers: ClinVar variation 4855037 (VCV004855037.1).

ClinVar aggregate classification (germline): Uncertain significance (1 of 4 stars; one submission).

Conditions:
Neurofibromatosis, type 1 (NF1). Also called: NEUROFIBROMATOSIS, TYPE I, SOMATIC; VON RECKLINGHAUSEN DISEASE; Neurofibromatosis, type I; Peripheral type neurofibromatosis. Identifiers: Orphanet 636, MedGen C0027831, MONDO:0018975, OMIM 162200. Disease mechanism: loss of function.

Submission:

3billion
Classification: Uncertain significance for Neurofibromatosis, type 1. Last evaluated: 2026-01-23. Review status: criteria provided, single submitter. Criteria: ACMG Guidelines, 2015. Collection method: clinical testing. Allele origin: germline. Affected: yes.
Comment: The variant is not observed in the gnomAD v4.1.0 dataset. Predicted Consequence/Location: Intron variant In silico tools predict the variant to alter splicing and produce an abnormal transcript [SpliceAI: 0.41 (>=0.2, moderate evidence for spliceogenicity)]. Therefore, this variant is classified as VUS according to the recommendation of ACMG/AMP guideline.